The following is an entry in ClinVar:

ClinVar aggregate classification (germline): Uncertain significance (1 of 4 stars; one submission).

Conditions:
Primary ciliary dyskinesia. Also called: Ciliary dyskinesia. Identifiers: Orphanet 244, MedGen C0008780, MONDO:0016575, HP:0012265.

gnomAD v4.1: 3 of 1,612,632 alleles (0.00019%); highest among the groups gnomAD compares: Non-Finnish European, 0.00025%; no homozygotes.

Submission:

Labcorp Genetics (formerly Invitae), Labcorp
Classification: Uncertain significance for Primary ciliary dyskinesia. Last evaluated: 2025-06-04. Review status: criteria provided, single submitter. Criteria: Invitae Variant Classification Sherloc (09022015). Collection method: clinical testing. Allele origin: germline.
Comment: This sequence change replaces histidine, which is basic and polar, with proline, which is neutral and non-polar, at codon 1976 of the DNAH8 protein (p.His1976Pro). This variant is present in population databases (no rsID available, gnomAD 0.0009%). This variant has not been reported in the literature in individuals affected with DNAH8-related conditions. Invitae Evidence Modeling of protein sequence and biophysical properties (such as structural, functional, and spatial information, amino acid conservation, physicochemical variation, residue mobility, and thermodynamic stability) indicates that this missense variant is expected to disrupt DNAH8 protein function with a positive predictive value of 80%. In summary, the available evidence is currently insufficient to determine the role of this variant in disease. Therefore, it has been classified as a Variant of Uncertain Significance.

NM_001206927.2(DNAH8):c.5927A>C (p.His1976Pro)

Gene: DNAH8 (dynein axonemal heavy chain 8; plus strand). Cytogenetic location: 6p21.2.
Variant type: single nucleotide variant.
Coding change: c.5927A>C on transcript NM_001206927.2 (MANE Select); coding-DNA position 5927, A replaced by C.
Protein change: p.His1976Pro; replaces histidine 1976 with proline.
Molecular consequence: missense variant.
Genome position (GRCh38, 1-based): chr6:38,857,711, A>C. VCF-style: chr6-38857711-A-C. GRCh37 (hg19) VCF-style: chr6-38825487-A-C.
Other names: c.5276A>C, p.His1759Pro (NM_001371.4); short protein forms H1759P, H1976P.
Identifiers: ClinVar variation 4748340 (VCV004748340.1).
Genomic context (GRCh38, chr6:38,857,711, plus strand): 5'-AGACAACACATGATCTAAGCAAGTTTGATAGAGTGAAGTTCGAGACTCTAATTACCATCC[A>C]TGTGCATCAGAGAGATATTTTTGATGACTTGGTAAGGTATCTTTTTTTTTAATTTAGTGT-3'
Protein context (NP_001193856.1, residues 1966-1986): RVKFETLITI[His1976Pro]VHQRDIFDDL